The following is an entry in ClinVar:

ClinVar aggregate classification (germline): Uncertain significance (1 of 4 stars; one submission).

Conditions:
Gastrointestinal stromal tumor. Also called: Gastrointestinal stromal tumor, somatic; Gastrointestinal stroma tumor. Identifiers: Orphanet 44890, MedGen C0238198, MeSH D046152, MONDO:0011719, OMIM 606764, HP:0100723.
Pheochromocytoma/paraganglioma syndrome 3. Also called: GLOMUS TUMORS, FAMILIAL, 3; Paragangliomas 3; SDHC-Related Hereditary Paraganglioma-Pheochromocytoma Syndrome (Paragangliomas 3); SDHC-Related Hereditary Paraganglioma-Pheochromocytoma Syndrome. Identifiers: Orphanet 29072, MedGen C1854336, MONDO:0011544, OMIM 605373.

Submission:

Labcorp Genetics (formerly Invitae), Labcorp
Classification: Uncertain significance for Pheochromocytoma/paraganglioma syndrome 3; Gastrointestinal stromal tumor. Last evaluated: 2023-03-14. Review status: criteria provided, single submitter. Criteria: Invitae Variant Classification Sherloc (09022015). Collection method: clinical testing. Allele origin: germline.
Comment: This variant has not been reported in the literature in individuals affected with SDHC-related conditions. In summary, the available evidence is currently insufficient to determine the role of this variant in disease. Therefore, it has been classified as a Variant of Uncertain Significance. Advanced modeling of protein sequence and biophysical properties (such as structural, functional, and spatial information, amino acid conservation, physicochemical variation, residue mobility, and thermodynamic stability) performed at Invitae indicates that this missense variant is expected to disrupt SDHC protein function. This variant is not present in population databases (gnomAD no frequency). This sequence change replaces leucine, which is neutral and non-polar, with valine, which is neutral and non-polar, at codon 52 of the SDHC protein (p.Leu52Val).

NM_003001.5(SDHC):c.154C>G (p.Leu52Val)

Gene: SDHC (succinate dehydrogenase complex subunit C; plus strand). Cytogenetic location: 1q23.3.
Variant type: single nucleotide variant.
Coding change: c.154C>G on transcript NM_003001.5 (MANE Select); coding-DNA position 154, C replaced by G.
Protein change: p.Leu52Val; replaces leucine 52 with valine.
Molecular consequence: missense variant. On other transcripts: non-coding transcript variant (1), intron variant (4).
Genome position (GRCh38, 1-based): chr1:161,328,472, C>G. VCF-style: chr1-161328472-C-G. GRCh37 (hg19) VCF-style: chr1-161298262-C-G.
Other names: c.154C>G, p.Leu52Val (NM_001035511.3, NM_001407115.1); c.97C>G, p.Leu33Val (NM_001407116.1, NM_001407117.1, NM_001407121.1); c.43C>G, p.Leu15Val (NM_001407119.1, NM_001407120.1); c.77+4802C>G (NM_001035512.3, NM_001278172.3, NM_001407118.1); c.21-12122C>G (NM_001035513.3); short protein forms L15V, L52V, L33V.
Identifiers: ClinVar variation 2945115 (VCV002945115.3), dbSNP rs2526365269, ClinGen allele CA343361254.